The following is an entry in ClinVar:

ClinVar aggregate classification (germline): Uncertain significance. Review status: criteria provided, multiple submitters, no conflicts (2 of 4 stars). 2 submissions from 2 submitters: Uncertain significance (2). Last evaluated 2024-07-03.

Conditions:
Epidermolysis bullosa simplex with nail dystrophy (EBS5D). Identifiers: MedGen C4225309, MONDO:0014661, OMIM 616487.
Epidermolysis bullosa simplex 5B, with muscular dystrophy (EBS5B). Also called: EPIDERMOLYSIS BULLOSA SIMPLEX AND LIMB-GIRDLE MUSCULAR DYSTROPHY; Epidermolysis bullosa simplex with muscular dystrophy. Identifiers: Orphanet 257, MedGen C2931072, MONDO:0009181, OMIM 226670.
Autosomal recessive limb-girdle muscular dystrophy type 2Q (LGMDR17). Also called: MUSCULAR DYSTROPHY, LIMB-GIRDLE, AUTOSOMAL RECESSIVE 17. Identifiers: Orphanet 254361, MedGen C3150989, MONDO:0013390, OMIM 613723.
Epidermolysis bullosa simplex 5C, with pyloric atresia (EBS5C). Also called: PLEC1-Related Epidermolysis Bullosa with Pyloric Atresia; PLEC-Related Epidermolysis Bullosa with Pyloric Atresia; Epidermolysis bullosa simplex with pyloric atresia. Identifiers: Orphanet 158684, MedGen C2677349, MONDO:0012807, OMIM 612138.
Epidermolysis bullosa simplex, Ogna type (EBS5A). Also called: Pidermolysis bullosa simplex 5A, Ogna type; EPIDERMOLYSIS BULLOSA SIMPLEX 5A, OGNA TYPE. Identifiers: Orphanet 79401, MedGen C0432317, MONDO:0007555, OMIM 131950.

Allele frequency attached by ClinVar (database versions not stated): TOPMed 0.00002; gnomAD exomes 0.00003; ExAC 0.00004.
gnomAD v4.1: 15 of 1,611,622 alleles (0.00093%); highest among the groups gnomAD compares: Middle Eastern, 0.016%; no homozygotes.

Submissions (2):

Labcorp Genetics (formerly Invitae), Labcorp
Classification: Uncertain significance for Autosomal recessive limb-girdle muscular dystrophy type 2Q; Epidermolysis bullosa simplex, Ogna type; Epidermolysis bullosa simplex with nail dystrophy; Epidermolysis bullosa simplex 5C, with pyloric atresia; Epidermolysis bullosa simplex 5B, with muscular dystrophy. Last evaluated: 2024-07-03. Review status: criteria provided, single submitter. Criteria: Invitae Variant Classification Sherloc (09022015). Collection method: clinical testing. Allele origin: germline.
Comment: This sequence change replaces alanine, which is neutral and non-polar, with threonine, which is neutral and polar, at codon 2710 of the PLEC protein (p.Ala2710Thr). This variant is present in population databases (rs533910619, gnomAD 0.01%). This variant has not been reported in the literature in individuals affected with PLEC-related conditions. ClinVar contains an entry for this variant (Variation ID: 1016404). Algorithms developed to predict the effect of missense changes on protein structure and function output the following: SIFT: "Not Available"; PolyPhen-2: "Benign"; Align-GVGD: "Not Available". The threonine amino acid residue is found in multiple mammalian species, which suggests that this missense change does not adversely affect protein function. In summary, the available evidence is currently insufficient to determine the role of this variant in disease. Therefore, it has been classified as a Variant of Uncertain Significance.

Blueprint Genetics
Classification: Uncertain significance. Last evaluated: 2023-08-29. Review status: criteria provided, single submitter. Criteria: ACMG Guidelines, 2015. Collection method: clinical testing. Allele origin: germline.

NM_201384.3(PLEC):c.8047G>A (p.Ala2683Thr)

Gene: PLEC (plectin; minus strand). Cytogenetic location: 8q24.3.
Variant type: single nucleotide variant.
Coding change: c.8047G>A on transcript NM_201384.3 (MANE Select); coding-DNA position 8047, G replaced by A.
Protein change: p.Ala2683Thr; replaces alanine 2683 with threonine.
Molecular consequence: missense variant.
Genome position (GRCh38, 1-based): chr8:143,921,774, C>T on the plus strand (G>A on the coding strand, the complement: PLEC is on the minus strand). VCF-style: chr8-143921774-C-T. GRCh37 (hg19) VCF-style: chr8-144995942-C-T.
Other names: c.8128G>A, p.Ala2710Thr (NM_000445.5); c.8005G>A, p.Ala2669Thr (NM_201378.4); c.7981G>A, p.Ala2661Thr (NM_201379.3); c.8458G>A, p.Ala2820Thr (NM_201380.4); c.7951G>A, p.Ala2651Thr (NM_201381.3); c.8047G>A, p.Ala2683Thr (NM_201382.4); c.8059G>A, p.Ala2687Thr (NM_201383.3); short protein forms A2651T, A2661T, A2669T, A2683T, A2687T, A2710T, A2820T.
Identifiers: ClinVar variation 1016404 (VCV001016404.6), dbSNP rs533910619, ClinGen allele CA4925440.